The following is an entry in ClinVar:

ClinVar aggregate classification (germline): Uncertain significance. Review status: criteria provided, multiple submitters, no conflicts (2 of 4 stars). 2 submissions from 2 submitters: Uncertain significance (2). Last evaluated 2023-10-01.

Conditions:
Retinal dystrophy. Also called: Inherited retinal dystrophy. Identifiers: Orphanet 71862, MedGen C0854723, MeSH D058499, MONDO:0019118, HP:0000556.
Leber congenital amaurosis 3 (LCA3). Also called: SPATA7-Related Retinitis Pigmentosa. Identifiers: MedGen C1858677, MONDO:0011415, OMIM 604232.

Allele frequency attached by ClinVar (database versions not stated): gnomAD exomes below 0.00001.
gnomAD v4.1: 3 of 1,610,922 alleles (0.00019%); highest among the groups gnomAD compares: East Asian, 0.0022%; no homozygotes.

Submissions (2):

Dept Of Ophthalmology, Nagoya University
Classification: Uncertain significance for Retinal dystrophy. Last evaluated: 2023-10-01. Review status: criteria provided, single submitter. Criteria: Submitter's publication. Collection method: research. Allele origin: germline. Affected: yes.

Labcorp Genetics (formerly Invitae), Labcorp
Classification: Uncertain significance for Leber congenital amaurosis 3. Last evaluated: 2021-01-14. Review status: criteria provided, single submitter. Criteria: Invitae Variant Classification Sherloc (09022015). Collection method: clinical testing. Allele origin: germline.
Comment: This sequence change replaces lysine with arginine at codon 104 of the SPATA7 protein (p.Lys104Arg). The lysine residue is highly conserved and there is a small physicochemical difference between lysine and arginine. This variant is not present in population databases (ExAC no frequency). This variant has not been reported in the literature in individuals with SPATA7-related conditions. Algorithms developed to predict the effect of missense changes on protein structure and function output the following: SIFT: "Deleterious"; PolyPhen-2: "Benign"; Align-GVGD: "Class C0". The arginine amino acid residue is found in multiple mammalian species, suggesting that this missense change does not adversely affect protein function. These predictions have not been confirmed by published functional studies and their clinical significance is uncertain. In summary, the available evidence is currently insufficient to determine the role of this variant in disease. Therefore, it has been classified as a Variant of Uncertain Significance.

NM_018418.5(SPATA7):c.311A>G (p.Lys104Arg)

Gene: SPATA7 (spermatogenesis associated 7; plus strand). Cytogenetic location: 14q31.3.
Variant type: single nucleotide variant.
Coding change: c.311A>G on transcript NM_018418.5 (MANE Select); coding-DNA position 311, A replaced by G.
Protein change: p.Lys104Arg; replaces lysine 104 with arginine.
Molecular consequence: missense variant.
Genome position (GRCh38, 1-based): chr14:88,416,783, A>G. VCF-style: chr14-88416783-A-G. GRCh37 (hg19) VCF-style: chr14-88883127-A-G.
Other names: c.215A>G, p.Lys72Arg (NM_001040428.4); short protein forms K104R, K72R.
Identifiers: ClinVar variation 1364872 (VCV001364872.9), dbSNP rs2076490012, ClinGen allele CA390556650.